The following is an entry in ClinVar:

ClinVar aggregate classification (germline): Likely benign. Review status: criteria provided, single submitter (1 of 4 stars). 2 submissions from 2 submitters: Likely benign (1). 1 of the submissions does not count toward it. Last evaluated 2026-06-01.

Conditions:
CIC-related disorder. Also called: CIC-related condition.

Allele frequency attached by ClinVar (database versions not stated): gnomAD exomes 0.00058; gnomAD 0.00059 and 0.00060; 1000 Genomes Project 30x 0.00062; TOPMed 0.00064.
gnomAD v4.1: 234 of 398,666 alleles (0.059%); highest among the groups gnomAD compares: Admixed American, 0.12%; no homozygotes.

Submissions (2):

CeGaT Center for Human Genetics Tuebingen
Classification: Likely benign. Last evaluated: 2026-06-01. Review status: criteria provided, single submitter. Criteria: CeGaT Center For Human Genetics Tuebingen Variant Classification Criteria Version 2. Collection method: clinical testing. Allele origin: germline. Affected: yes. Observed: 9 variant alleles.
Comment: CIC: BP4, BP7, BS1

PreventionGenetics, part of Exact Sciences
Classification: Likely benign for CIC-related condition. Last evaluated: 2019-03-21. Review status: no assertion criteria provided. Collection method: clinical testing. Allele origin: germline. Not counted in ClinVar's aggregate classification.
Comment: This variant is classified as likely benign based on ACMG/AMP sequence variant interpretation guidelines (Richards et al. 2015 PMID: 25741868, with internal and published modifications).

NM_001386298.1(CIC):c.1326G>A (p.Ser442=)

Gene: CIC (capicua transcriptional repressor; plus strand). Cytogenetic location: 19q13.2.
Variant type: single nucleotide variant.
Coding change: c.1326G>A on transcript NM_001386298.1 (MANE Select); coding-DNA position 1326, G replaced by A.
Protein change: p.Ser442=; no amino-acid change (serine 442 retained).
Molecular consequence: synonymous variant.
Genome position (GRCh38, 1-based): chr19:42,273,109, G>A. VCF-style: chr19-42273109-G-A. GRCh37 (hg19) VCF-style: chr19-42777261-G-A.
Other names: c.1326G>A, p.Ser442= (NM_001304815.2, NM_001379480.1, NM_001379482.1); c.1326G>A (NM_001304815.1).
Identifiers: ClinVar variation 1675746 (VCV001675746.34), dbSNP rs771292827, ClinGen allele CA308615146.
Genomic context (GRCh38, chr19:42,273,109, plus strand): 5'-GTCACCACCACCCAAGTCTCCAGCCTTTGTGGGCCCCGGCCGCCCTGGCGAGCAGCCCTC[G>A]CCCTGCCAGGAGGGGAGCCAGGGCGGCAGCCGCAGCAGCAGCGTGGCCTCCCTGGAAAAG-3'
Protein context (NP_001373227.1, residues 432-452): VGPGRPGEQP[Ser442=]PCQEGSQGGS